The following is an entry in ClinVar:

ClinVar aggregate classification (germline): Uncertain significance. Review status: criteria provided, multiple submitters, no conflicts (2 of 4 stars). 2 submissions from 2 submitters: Uncertain significance (2). Last evaluated 2022-09-07.

Conditions:
Cardiovascular phenotype. Identifiers: MedGen CN230736.

Allele frequency attached by ClinVar (database versions not stated): gnomAD exomes below 0.00001.
gnomAD v4.1: 1 of 1,551,686 alleles (0.000064%); highest among the groups gnomAD compares: Non-Finnish European, 0.000087%; no homozygotes.

Submissions (2):

Ambry Genetics
Classification: Uncertain significance for Cardiovascular phenotype. Last evaluated: 2022-09-07. Review status: criteria provided, single submitter. Criteria: Ambry Variant Classification Scheme 2023. Collection method: clinical testing. Allele origin: germline.

GeneDx
Classification: Uncertain significance. Last evaluated: 2022-04-25. Review status: criteria provided, single submitter. Criteria: GeneDx Variant Classification Process June 2021. Collection method: clinical testing. Allele origin: germline. Affected: yes.
Comment: Not observed at significant frequency in large population cohorts (gnomAD); In silico analysis supports that this missense variant does not alter protein structure/function; Has not been previously published as pathogenic or benign to our knowledge

NM_001134363.3(RBM20):c.975C>A (p.Phe325Leu)

Gene: RBM20 (RNA binding motif protein 20; plus strand). Cytogenetic location: 10q25.2.
Variant type: single nucleotide variant.
Coding change: c.975C>A on transcript NM_001134363.3 (MANE Select); coding-DNA position 975, C replaced by A.
Protein change: p.Phe325Leu; replaces phenylalanine 325 with leucine.
Molecular consequence: missense variant.
Genome position (GRCh38, 1-based): chr10:110,781,584, C>A. VCF-style: chr10-110781584-C-A. GRCh37 (hg19) VCF-style: chr10-112541342-C-A.
Other names: short protein forms F325L.
Identifiers: ClinVar variation 1712873 (VCV001712873.5), dbSNP rs2493412724, ClinGen allele CA378385085.